The following is an entry in ClinVar:

NM_024513.4(FYCO1):c.4339A>T (p.Ile1447Phe)

Gene: FYCO1 (FYVE and coiled-coil domain autophagy adaptor 1; minus strand). Cytogenetic location: 3p21.31.
Variant type: single nucleotide variant.
Coding change: c.4339A>T on transcript NM_024513.4 (MANE Select); coding-DNA position 4339, A replaced by T.
Protein change: p.Ile1447Phe; replaces isoleucine 1447 with phenylalanine.
Molecular consequence: missense variant. On other transcripts: non-coding transcript variant (1), intron variant (1).
Genome position (GRCh38, 1-based): chr3:45,923,678, T>A on the plus strand (A>T on the coding strand, the complement: FYCO1 is on the minus strand). VCF-style: chr3-45923678-T-A. GRCh37 (hg19) VCF-style: chr3-45965170-T-A.
Other names: c.4339A>T, p.Ile1447Phe (NM_001386421.1, NM_001386422.1, NM_001386425.1); c.4336A>T, p.Ile1446Phe (NM_001386423.1); c.4219A>T, p.Ile1407Phe (NM_001386426.1); c.4195A>T, p.Ile1399Phe (NM_001386427.1); c.3739A>T, p.Ile1247Phe (NM_001386430.1); c.4252-4613A>T (NM_001386429.1); short protein forms I1446F, I1407F, I1247F, I1447F, I1399F.
Identifiers: ClinVar variation 3700961 (VCV003700961.2).

ClinVar aggregate classification (germline): Uncertain significance (1 of 4 stars; one submission).

Conditions:
Cataract 18 (CATC2). Also called: CATARACT 18, AUTOSOMAL RECESSIVE. Identifiers: Orphanet 91492, Orphanet 98991, Orphanet 98992, Orphanet 98995, MedGen C1864908, MONDO:0012395, OMIM 610019.

Submission:

Labcorp Genetics (formerly Invitae), Labcorp
Classification: Uncertain significance for Cataract 18. Last evaluated: 2025-03-27. Review status: criteria provided, single submitter. Criteria: Invitae Variant Classification Sherloc (09022015). Collection method: clinical testing. Allele origin: germline.
Comment: This sequence change replaces isoleucine, which is neutral and non-polar, with phenylalanine, which is neutral and non-polar, at codon 1447 of the FYCO1 protein (p.Ile1447Phe). This variant is not present in population databases (gnomAD no frequency). This variant has not been reported in the literature in individuals affected with FYCO1-related conditions. Invitae Evidence Modeling of protein sequence and biophysical properties (such as structural, functional, and spatial information, amino acid conservation, physicochemical variation, residue mobility, and thermodynamic stability) indicates that this missense variant is expected to disrupt FYCO1 protein function with a positive predictive value of 80%. In summary, the available evidence is currently insufficient to determine the role of this variant in disease. Therefore, it has been classified as a Variant of Uncertain Significance.